The following is an entry in ClinVar:

NM_001379500.1(COL18A1):c.2392C>T (p.Arg798Trp)

Gene: COL18A1 (collagen type XVIII alpha 1 chain; plus strand). Cytogenetic location: 21q22.3.
Variant type: single nucleotide variant.
Coding change: c.2392C>T on transcript NM_001379500.1 (MANE Select); coding-DNA position 2392, C replaced by T.
Protein change: p.Arg798Trp; replaces arginine 798 with tryptophan.
Molecular consequence: missense variant.
Genome position (GRCh38, 1-based): chr21:45,494,874, C>T. VCF-style: chr21-45494874-C-T. GRCh37 (hg19) VCF-style: chr21-46914788-C-T.
Other names: NM_130445.2:c.2392C>T; c.2932C>T, p.Arg978Trp (NM_030582.4); c.3637C>T, p.Arg1213Trp (NM_130444.3); c.2932C>T (NM_030582.3); short protein forms R1213W, R798W, R978W.
Identifiers: ClinVar variation 1117417 (VCV001117417.13), dbSNP rs201566264, ClinGen allele CA10067067.

ClinVar aggregate classification (germline): Likely benign. Review status: criteria provided, multiple submitters, no conflicts (2 of 4 stars). 4 submissions from 4 submitters: Likely benign (3). 1 of the submissions does not count toward it. Last evaluated 2026-01-28.

Conditions:
COL18A1-related disorder. Also called: COL18A1-related condition; COL18A1-related disorders.
Inborn genetic diseases. Identifiers: MedGen C0950123, MeSH D030342.

Allele frequency attached by ClinVar (database versions not stated): gnomAD exomes 0.00007 and 0.00019; ExAC 0.00024; ESP Exome Variant Server 0.00058; gnomAD 0.00068 and 0.00073; TOPMed 0.00068; 1000 Genomes Project 30x 0.00078; 1000 Genomes Project 0.00100.
gnomAD v4.1: 217 of 1,610,180 alleles (0.013%); highest among the groups gnomAD compares: African/African-American, 0.22%; 1 homozygote.

Submissions (4):

Labcorp Genetics (formerly Invitae), Labcorp
Classification: Likely benign. Last evaluated: 2026-01-28. Review status: criteria provided, single submitter. Criteria: Invitae Variant Classification Sherloc (09022015). Collection method: clinical testing. Allele origin: germline.

Blueprint Genetics
Classification: Likely benign. Last evaluated: 2024-11-14. Review status: criteria provided, single submitter. Criteria: ACMG Guidelines, 2015. Collection method: clinical testing. Allele origin: germline.

Ambry Genetics
Classification: Likely benign for Inborn genetic diseases. Last evaluated: 2024-01-23. Review status: criteria provided, single submitter. Criteria: Ambry Variant Classification Scheme 2023. Collection method: clinical testing. Allele origin: germline.

PreventionGenetics, part of Exact Sciences
Classification: Likely benign for COL18A1-related condition. Last evaluated: 2023-04-21. Review status: no assertion criteria provided. Collection method: clinical testing. Allele origin: germline. Not counted in ClinVar's aggregate classification.
Comment: This variant is classified as likely benign based on ACMG/AMP sequence variant interpretation guidelines (Richards et al. 2015 PMID: 25741868, with internal and published modifications).